The following is an entry in ClinVar:

ClinVar aggregate classification (germline): Uncertain significance (1 of 4 stars; one submission).

Conditions:
Multiple endocrine neoplasia, type 2 (MEN2). Identifiers: Orphanet 653, MedGen C4048306, MONDO:0019003. Disease mechanism: gain of function.

Submission:

Labcorp Genetics (formerly Invitae), Labcorp
Classification: Uncertain significance for Multiple endocrine neoplasia, type 2. Last evaluated: 2025-11-09. Review status: criteria provided, single submitter. Criteria: Invitae Variant Classification Sherloc (09022015). Collection method: clinical testing. Allele origin: germline.
Comment: This sequence change replaces threonine, which is neutral and polar, with serine, which is neutral and polar, at codon 78 of the RET protein (p.Thr78Ser). This variant is not present in population databases (gnomAD no frequency). This variant has not been reported in the literature in individuals affected with RET-related conditions. An algorithm developed to predict the effect of missense changes on protein structure and function outputs the following: PolyPhen-2: "Benign". The serine amino acid residue is found in multiple mammalian species, which suggests that this missense change does not adversely affect protein function. In summary, the available evidence is currently insufficient to determine the role of this variant in disease. Therefore, it has been classified as a Variant of Uncertain Significance.

NM_020975.6(RET):c.232A>T (p.Thr78Ser)

Gene: RET (ret proto-oncogene; plus strand). Cytogenetic location: 10q11.21.
Variant type: single nucleotide variant.
Coding change: c.232A>T on transcript NM_020975.6 (MANE Select); coding-DNA position 232, A replaced by T.
Protein change: p.Thr78Ser; replaces threonine 78 with serine.
Molecular consequence: missense variant. On other transcripts: intron variant (4).
Genome position (GRCh38, 1-based): chr10:43,100,617, A>T. VCF-style: chr10-43100617-A-T. GRCh37 (hg19) VCF-style: chr10-43596065-A-T.
Other names: c.232A>T, p.Thr78Ser (NM_001406743.1, NM_001406744.1, NM_001406759.1 and 32 more transcripts); c.74-8414A>T (NM_001406784.1); c.74-11482A>T (NM_001406794.1, NM_001406792.1, NM_001406793.1); short protein forms T78S.
Identifiers: ClinVar variation 4730795 (VCV004730795.1).